The following is an entry in ClinVar:

ClinVar aggregate classification (germline): Likely pathogenic (1 of 4 stars; one submission).

Conditions:
Developmental and epileptic encephalopathy, 25 (DEE25). Also called: Developmental and epileptic encephalopathy 25, with amelogenesis imperfecta; Epileptic encephalopathy, early infantile, 25, with amelogenesis imperfecta; Epileptic encephalopathy, early infantile, 25. Identifiers: Orphanet 442835, MedGen C4014621, MONDO:0014392, OMIM 615905.

Submission:

Labcorp Genetics (formerly Invitae), Labcorp
Classification: Likely pathogenic for Developmental and epileptic encephalopathy, 25. Last evaluated: 2024-10-24. Review status: criteria provided, single submitter. Criteria: Invitae Variant Classification Sherloc (09022015). Collection method: clinical testing. Allele origin: germline.
Comment: This sequence change affects an acceptor splice site in intron 6 of the SLC13A5 gene. It is expected to disrupt RNA splicing. Variants that disrupt the donor or acceptor splice site typically lead to a loss of protein function (PMID: 16199547), and loss-of-function variants in SLC13A5 are known to be pathogenic (PMID: 24995870, 26384929). This variant is not present in population databases (gnomAD no frequency). This variant has not been reported in the literature in individuals affected with SLC13A5-related conditions. ClinVar contains an entry for this variant (Variation ID: 2038274). Algorithms developed to predict the effect of sequence changes on RNA splicing suggest that this variant may disrupt the consensus splice site. In summary, the currently available evidence indicates that the variant is pathogenic, but additional data are needed to prove that conclusively. Therefore, this variant has been classified as Likely Pathogenic.

Literature cited by the submitters: PubMed 16199547; PubMed 24995870; PubMed 26384929.

NM_177550.5(SLC13A5):c.840-2A>G

Gene: SLC13A5 (solute carrier family 13 member 5; minus strand). Cytogenetic location: 17p13.1.
Variant type: single nucleotide variant.
Coding change: c.840-2A>G on transcript NM_177550.5 (MANE Select); the canonical splice acceptor site of the intron before coding-DNA position 840, A replaced by G.
Molecular consequence: splice acceptor variant.
Genome position (GRCh38, 1-based): chr17:6,695,943, T>C on the plus strand (A>G on the coding strand, the complement: SLC13A5 is on the minus strand). VCF-style: chr17-6695943-T-C. GRCh37 (hg19) VCF-style: chr17-6599262-T-C.
Other names: c.711-2A>G (NM_001284510.2); c.789-2A>G (NM_001284509.2); c.840-2A>G (NM_001143838.3).
Identifiers: ClinVar variation 2038274 (VCV002038274.4), dbSNP rs2544624572, ClinGen allele CA397745178.